The following is an entry in ClinVar:

NM_006080.3(SEMA3A):c.601A>G (p.Ile201Val)

Gene: SEMA3A (semaphorin 3A; minus strand). Cytogenetic location: 7q21.11.
Variant type: single nucleotide variant.
Coding change: c.601A>G on transcript NM_006080.3 (MANE Select); coding-DNA position 601, A replaced by G.
Protein change: p.Ile201Val; replaces isoleucine 201 with valine.
Molecular consequence: missense variant.
Genome position (GRCh38, 1-based): chr7:84,046,390, T>C on the plus strand (A>G on the coding strand, the complement: SEMA3A is on the minus strand). VCF-style: chr7-84046390-T-C. GRCh37 (hg19) VCF-style: chr7-83675706-T-C.
Other names: short protein forms I201V.
Identifiers: ClinVar variation 3349129 (VCV003349129.1).

ClinVar aggregate classification (germline): Uncertain significance (0 of 4 stars; one submission).

Conditions:
SEMA3A-related disorder. Also called: SEMA3A-related condition.

Submission:

PreventionGenetics, part of Exact Sciences
Classification: Uncertain significance for SEMA3A-related condition. Last evaluated: 2024-01-24. Review status: no assertion criteria provided. Collection method: clinical testing. Allele origin: germline.
Comment: The SEMA3A c.601A>G variant is predicted to result in the amino acid substitution p.Ile201Val. To our knowledge, this variant has not been reported in the literature or in a large population database, indicating this variant is rare. At this time, the clinical significance of this variant is uncertain due to the absence of conclusive functional and genetic evidence.